The following is an entry in ClinVar:

NM_001165963.4(SCN1A):c.4758A>T (p.Gly1586=)

Genes: SCN1A (sodium voltage-gated channel alpha subunit 1; minus strand), LOC102724058 (uncharacterized LOC102724058; plus strand). Cytogenetic location: 2q24.3.
Variant type: single nucleotide variant.
Coding change: c.4758A>T on transcript NM_001165963.4 (MANE Select); coding-DNA position 4758, A replaced by T.
Protein change: p.Gly1586=; no amino-acid change (glycine 1586 retained).
Molecular consequence: synonymous variant. On other transcripts: non-coding transcript variant (1).
Genome position (GRCh38, 1-based): chr2:165,994,240, T>A on the plus strand (A>T on the coding strand, the complement: SCN1A is on the minus strand). VCF-style: chr2-165994240-T-A. GRCh37 (hg19) VCF-style: chr2-166850750-T-A.
Other names: c.4674A>T, p.Gly1558= (NM_001165964.3, NM_001353957.2, NM_001353958.2); c.4758A>T, p.Gly1586= (NM_001202435.3, NM_001353948.2); c.4725A>T, p.Gly1575= (NM_001353949.2, NM_001353950.2, NM_001353951.2 and 2 more transcripts); c.4722A>T, p.Gly1574= (NM_001353954.2, NM_001353955.2); c.4671A>T, p.Gly1557= (NM_001353960.2); c.2316A>T, p.Gly772= (NM_001353961.2).
Identifiers: ClinVar variation 2015486 (VCV002015486.4), dbSNP rs2468359074, ClinGen allele CA429902855.

ClinVar aggregate classification (germline): Uncertain significance (1 of 4 stars; one submission).

Conditions:
Early-infantile DEE. Also called: Early infantile epileptic encephalopathy; Ohtahara syndrome; Early infantile epileptic encephalopathy with suppression bursts. Identifiers: Orphanet 1934, MedGen C0393706, MONDO:0800491.

Submission:

Labcorp Genetics (formerly Invitae), Labcorp
Classification: Uncertain significance for Early-infantile DEE. Last evaluated: 2022-07-09. Review status: criteria provided, single submitter. Criteria: Invitae Variant Classification Sherloc (09022015). Collection method: clinical testing. Allele origin: germline.
Comment: This sequence change affects codon 1586 of the SCN1A mRNA. It is a 'silent' change, meaning that it does not change the encoded amino acid sequence of the SCN1A protein. This variant is not present in population databases (gnomAD no frequency). In summary, the available evidence is currently insufficient to determine the role of this variant in disease. Therefore, it has been classified as a Variant of Uncertain Significance. Algorithms developed to predict the effect of sequence changes on RNA splicing suggest that this variant may disrupt the consensus splice site. This variant has not been reported in the literature in individuals affected with SCN1A-related conditions.